The following is an entry in ClinVar:

NM_005481.3(MED16):c.880-5C>T

Gene: MED16 (mediator complex subunit 16; minus strand). Cytogenetic location: 19p13.3.
Variant type: single nucleotide variant.
Coding change: c.880-5C>T on transcript NM_005481.3 (MANE Select); 5 bases into the intron before coding-DNA position 880, C replaced by T.
Molecular consequence: intron variant.
Genome position (GRCh38, 1-based): chr19:885,013, G>A on the plus strand (C>T on the coding strand, the complement: MED16 is on the minus strand). VCF-style: chr19-885013-G-A. GRCh37 (hg19) VCF-style: chr19-885013-G-A.
Identifiers: ClinVar variation 4872216 (VCV004872216.2).

ClinVar aggregate classification (germline): Likely benign (1 of 4 stars; one submission).

gnomAD v4.1: 695 of 1,585,780 alleles (0.044%); highest among the groups gnomAD compares: South Asian, 0.61%; 6 homozygotes.

Submission:

CeGaT Center for Human Genetics Tuebingen
Classification: Likely benign. Last evaluated: 2026-05-01. Review status: criteria provided, single submitter. Criteria: CeGaT Center For Human Genetics Tuebingen Variant Classification Criteria Version 2. Collection method: clinical testing. Allele origin: germline. Affected: yes. Observed: 1 variant allele.
Comment: MED16: BP4, BS2